The following is an entry in ClinVar:

ClinVar aggregate classification (germline): Benign. Review status: criteria provided, multiple submitters, no conflicts (2 of 4 stars). 3 submissions from 3 submitters: Benign (3). Last evaluated 2024-01-24.

Allele frequency attached by ClinVar (database versions not stated): gnomAD exomes 0.19088; gnomAD 0.24846 and 0.24996; TOPMed 0.26828; 1000 Genomes Project 0.30711; 1000 Genomes Project 30x 0.31168.
gnomAD v4.1: 198,395 of 990,694 alleles (20%); highest among the groups gnomAD compares: African/African-American, 41%; 22,577 homozygotes.

Submissions (3):

Unidad de Genómica Garrahan, Hospital de Pediatría Garrahan
Classification: Benign. Last evaluated: 2024-01-24. Review status: criteria provided, single submitter. Criteria: ACMG Guidelines, 2015. Collection method: clinical testing. Allele origin: germline. Affected: no. Observed: 22 variant alleles.
Comment: This variant is classified as Benign based on local population frequency. This variant was detected in 23% of patients studied by a panel of primary immunodeficiencies. Number of patients: 22. Only high quality variants are reported.

GeneDx
Classification: Benign. Last evaluated: 2018-06-26. Review status: criteria provided, single submitter. Criteria: GeneDx Variant Classification Process June 2021. Collection method: clinical testing. Allele origin: germline. Affected: yes.

Breakthrough Genomics
Classification: Benign. Review status: criteria provided, single submitter. Criteria: ACMG Guidelines, 2015. Collection method: not provided. Allele origin: germline. Inheritance: Autosomal recessive inheritance. Affected: yes.

NM_181523.3(PIK3R1):c.1985+112G>A

Gene: PIK3R1 (phosphoinositide-3-kinase regulatory subunit 1; plus strand). Cytogenetic location: 5q13.1.
Variant type: single nucleotide variant.
Coding change: c.1985+112G>A on transcript NM_181523.3 (MANE Select); 112 bases into the intron after coding-DNA position 1985, G replaced by A.
Molecular consequence: intron variant.
Genome position (GRCh38, 1-based): chr5:68,296,453, G>A. VCF-style: chr5-68296453-G-A. GRCh37 (hg19) VCF-style: chr5-67592281-G-A.
Other names: c.1085+112G>A (NM_181524.2); c.1175+112G>A (NM_181504.4); c.896+112G>A (NM_001242466.2).
Identifiers: ClinVar variation 1261654 (VCV001261654.5), dbSNP rs895304, ClinGen allele CA119908464.